The following is an entry in ClinVar:

NM_001130144.3(LTBP3):c.3896C>G (p.Pro1299Arg)

Gene: LTBP3 (latent transforming growth factor beta binding protein 3; minus strand). Cytogenetic location: 11q13.1.
Variant type: single nucleotide variant.
Coding change: c.3896C>G on transcript NM_001130144.3 (MANE Select); coding-DNA position 3896, C replaced by G.
Protein change: p.Pro1299Arg; replaces proline 1299 with arginine.
Molecular consequence: missense variant.
Genome position (GRCh38, 1-based): chr11:65,539,096, G>C on the plus strand (C>G on the coding strand, the complement: LTBP3 is on the minus strand). VCF-style: chr11-65539096-G-C. GRCh37 (hg19) VCF-style: chr11-65306567-G-C.
Other names: c.3404C>G, p.Pro1135Arg (NM_001164266.1); c.3755C>G, p.Pro1252Arg (NM_021070.4); short protein forms P1135R, P1252R, P1299R.
Identifiers: ClinVar variation 4712418 (VCV004712418.1).

ClinVar aggregate classification (germline): Uncertain significance (1 of 4 stars; one submission).

Conditions:
Brachyolmia-amelogenesis imperfecta syndrome. Also called: PLATYSPONDYLY WITH AMELOGENESIS IMPERFECTA; Tooth agenesis, selective, 6; Dental anomalies and short stature. Identifiers: Orphanet 2899, MedGen C1832594, MONDO:0011018, OMIM 601216. Disease mechanism: loss of function.

Submission:

Labcorp Genetics (formerly Invitae), Labcorp
Classification: Uncertain significance for Brachyolmia-amelogenesis imperfecta syndrome. Last evaluated: 2025-02-06. Review status: criteria provided, single submitter. Criteria: Invitae Variant Classification Sherloc (09022015). Collection method: clinical testing. Allele origin: germline.
Comment: This sequence change replaces proline, which is neutral and non-polar, with arginine, which is basic and polar, at codon 1299 of the LTBP3 protein (p.Pro1299Arg). This variant is not present in population databases (gnomAD no frequency). This variant has not been reported in the literature in individuals affected with LTBP3-related conditions. An algorithm developed to predict the effect of missense changes on protein structure and function (PolyPhen-2) suggests that this variant is likely to be disruptive. In summary, the available evidence is currently insufficient to determine the role of this variant in disease. Therefore, it has been classified as a Variant of Uncertain Significance.